The following is an entry in ClinVar:

NM_001793.6(CDH3):c.1443C>T (p.Asp481=)

Gene: CDH3 (cadherin 3; plus strand). Cytogenetic location: 16q22.1.
Variant type: single nucleotide variant.
Coding change: c.1443C>T on transcript NM_001793.6 (MANE Select); coding-DNA position 1443, C replaced by T.
Protein change: p.Asp481=; no amino-acid change (aspartic acid 481 retained).
Molecular consequence: synonymous variant.
Genome position (GRCh38, 1-based): chr16:68,685,223, C>T. VCF-style: chr16-68685223-C-T. GRCh37 (hg19) VCF-style: chr16-68719126-C-T.
Other names: c.1443C>T, p.Asp481= (NM_001317195.3); c.1278C>T, p.Asp426= (NM_001317196.2).
Identifiers: ClinVar variation 193848 (VCV000193848.33), dbSNP rs144403828, ClinGen allele CA239524.

ClinVar aggregate classification (germline): Conflicting classifications of pathogenicity. Review status: criteria provided, conflicting classifications (1 of 4 stars). 9 submissions from 9 submitters: Uncertain significance (2); Likely benign (4). 3 of the submissions do not count toward it. Last evaluated 2026-02-01.

Conditions:
CDH3-related disorder. Also called: CDH3-related condition.
EEM syndrome (EEMS). Identifiers: Orphanet 1897, MedGen C1857041, MONDO:0009155, OMIM 225280.

Allele frequency attached by ClinVar (database versions not stated): 1000 Genomes Project 30x 0.00016; 1000 Genomes Project 0.00020; ExAC 0.00033; ESP Exome Variant Server 0.00038; gnomAD exomes 0.00044; gnomAD 0.00053; TOPMed 0.00053.

Submissions (9):

Labcorp Genetics (formerly Invitae), Labcorp
Classification: Likely benign. Last evaluated: 2026-02-01. Review status: criteria provided, single submitter. Criteria: Invitae Variant Classification Sherloc (09022015). Collection method: clinical testing. Allele origin: germline.

CeGaT Center for Human Genetics Tuebingen
Classification: Likely benign. Last evaluated: 2025-12-01. Review status: criteria provided, single submitter. Criteria: CeGaT Center For Human Genetics Tuebingen Variant Classification Criteria Version 2. Collection method: clinical testing. Allele origin: germline. Affected: yes. Observed: 1 variant allele.
Comment: CDH3: BP4, BP7

Blueprint Genetics
Classification: Likely benign. Last evaluated: 2024-10-16. Review status: criteria provided, single submitter. Criteria: ACMG Guidelines, 2015. Collection method: clinical testing. Allele origin: germline.

GeneDx
Classification: Likely benign. Last evaluated: 2020-02-03. Review status: criteria provided, single submitter. Criteria: GeneDx Variant Classification Process June 2021. Collection method: clinical testing. Allele origin: germline. Affected: yes.

Illumina Laboratory Services, Illumina
Classification: Uncertain significance for EEM syndrome. Last evaluated: 2018-01-13. Review status: criteria provided, single submitter. Criteria: ICSL Variant Classification Criteria 13 December 2019. Collection method: clinical testing. Allele origin: germline.

Eurofins Ntd Llc (ga)
Classification: Uncertain significance. Last evaluated: 2014-11-07. Review status: criteria provided, single submitter. Criteria: EGL Classification Definitions 2015. Collection method: clinical testing. Allele origin: germline. Observed: 2 variant alleles, 2 heterozygotes.

PreventionGenetics, part of Exact Sciences
Classification: Likely benign for CDH3-related condition. Last evaluated: 2019-04-15. Review status: no assertion criteria provided. Collection method: clinical testing. Allele origin: germline. Not counted in ClinVar's aggregate classification.
Comment: This variant is classified as likely benign based on ACMG/AMP sequence variant interpretation guidelines (Richards et al. 2015 PMID: 25741868, with internal and published modifications).

Clinical Genetics DNA and cytogenetics Diagnostics Lab, Erasmus MC, Erasmus Medical Center
Classification: Likely benign. Review status: no assertion criteria provided. Collection method: clinical testing. Allele origin: germline. Affected: yes. Study: VKGL Data-share Consensus. Not counted in ClinVar's aggregate classification.

Clinical Genetics, Academic Medical Center
Classification: Likely benign. Review status: no assertion criteria provided. Collection method: clinical testing. Allele origin: germline. Affected: yes. Study: VKGL Data-share Consensus. Not counted in ClinVar's aggregate classification.